The following is an entry in ClinVar:

ClinVar aggregate classification (germline): Uncertain significance (1 of 4 stars; one submission).

Submission:

Labcorp Genetics (formerly Invitae), Labcorp
Classification: Uncertain significance. Last evaluated: 2022-10-05. Review status: criteria provided, single submitter. Criteria: Invitae Variant Classification Sherloc (09022015). Collection method: clinical testing. Allele origin: germline.
Comment: This variant is not present in population databases (gnomAD no frequency). In summary, the available evidence is currently insufficient to determine the role of this variant in disease. Therefore, it has been classified as a Variant of Uncertain Significance. Advanced modeling of protein sequence and biophysical properties (such as structural, functional, and spatial information, amino acid conservation, physicochemical variation, residue mobility, and thermodynamic stability) performed at Invitae indicates that this missense variant is not expected to disrupt CDH23 protein function. ClinVar contains an entry for this variant (Variation ID: 1471772). This variant has not been reported in the literature in individuals affected with CDH23-related conditions. This sequence change replaces glutamic acid, which is acidic and polar, with aspartic acid, which is acidic and polar, at codon 1169 of the CDH23 protein (p.Glu1169Asp).

NM_022124.6(CDH23):c.3507G>C (p.Glu1169Asp)

Genes: C10orf105 (chromosome 10 open reading frame 105; minus strand), CDH23 (cadherin related 23; plus strand). Cytogenetic location: 10q22.1.
Variant type: single nucleotide variant.
Coding change: c.3507G>C on transcript NM_022124.6 (MANE Select); coding-DNA position 3507, G replaced by C.
Protein change: p.Glu1169Asp; replaces glutamic acid 1169 with aspartic acid.
Molecular consequence: missense variant. On other transcripts: intron variant (1).
Genome position (GRCh38, 1-based): chr10:71,725,448, G>C. VCF-style: chr10-71725448-G-C. GRCh37 (hg19) VCF-style: chr10-73485205-G-C.
Other names: c.3507G>C, p.Glu1169Asp (NM_001171930.2); c.-5-9106C>G (NM_001168390.2); short protein forms E1169D.
Identifiers: ClinVar variation 1471772 (VCV001471772.7), dbSNP rs1866766532, ClinGen allele CA377152543.